The following is an entry in ClinVar:

ClinVar aggregate classification (germline): Uncertain significance (1 of 4 stars; one submission).

Submission:

Labcorp Genetics (formerly Invitae), Labcorp
Classification: Uncertain significance. Last evaluated: 2021-11-02. Review status: criteria provided, single submitter. Criteria: Invitae Variant Classification Sherloc (09022015). Collection method: clinical testing. Allele origin: germline.
Comment: This sequence change replaces threonine, which is neutral and polar, with isoleucine, which is neutral and non-polar, at codon 103 of the TRAPPC6B protein (p.Thr103Ile). This variant is not present in population databases (gnomAD no frequency). This variant has not been reported in the literature in individuals affected with TRAPPC6B-related conditions. Algorithms developed to predict the effect of missense changes on protein structure and function output the following: SIFT: "Tolerated"; PolyPhen-2: "Benign"; Align-GVGD: "Class C0". The isoleucine amino acid residue is found in multiple mammalian species, which suggests that this missense change does not adversely affect protein function. In summary, the available evidence is currently insufficient to determine the role of this variant in disease. Therefore, it has been classified as a Variant of Uncertain Significance.

NM_001079537.2(TRAPPC6B):c.308C>T (p.Thr103Ile)

Gene: TRAPPC6B (trafficking protein particle complex subunit 6B; minus strand). Cytogenetic location: 14q21.1.
Variant type: single nucleotide variant.
Coding change: c.308C>T on transcript NM_001079537.2 (MANE Select); coding-DNA position 308, C replaced by T.
Protein change: p.Thr103Ile; replaces threonine 103 with isoleucine.
Molecular consequence: missense variant. On other transcripts: intron variant (1).
Genome position (GRCh38, 1-based): chr14:39,154,254, G>A on the plus strand (C>T on the coding strand, the complement: TRAPPC6B is on the minus strand). VCF-style: chr14-39154254-G-A. GRCh37 (hg19) VCF-style: chr14-39623458-G-A.
Other names: c.268-2415C>T (NM_177452.4); short protein forms T103I.
Identifiers: ClinVar variation 1390842 (VCV001390842.6), dbSNP rs2139378562, ClinGen allele CA389551522.
Genomic context (GRCh38, chr14:39,154,254, plus strand): 5'-TCTATTCCATTAAATACCTTAGATGCATGTTCTAAATACTGTTTTCCTGCAGACATCTGA[G>A]TAAGCAGGCGAAATTTGTTGTCCTGAAGTACATAGATGCCCTGTTCCAAAAATAGAAAAA-3'
Protein context (NP_001073005.1, residues 93-113): VLQDNKFRLL[Thr103Ile]QMSAGKQYLE